The following is an entry in ClinVar:

ClinVar aggregate classification (germline): Likely benign. Review status: criteria provided, multiple submitters, no conflicts (2 of 4 stars). 2 submissions from 2 submitters: Likely benign (2). Last evaluated 2026-06-14.

Conditions:
TMEM38B-related disorder. Also called: TMEM38B-related condition.

Allele frequency attached by ClinVar (database versions not stated): gnomAD exomes 0.00002 and 0.00004; ExAC 0.00005; ESP Exome Variant Server 0.00008; gnomAD 0.00023 and 0.00024; TOPMed 0.00054; 1000 Genomes Project 0.00060; 1000 Genomes Project 30x 0.00094.
gnomAD v4.1: 72 of 1,613,964 alleles (0.0045%); highest among the groups gnomAD compares: Admixed American, 0.075%; no homozygotes.

Submissions (2):

PreventionGenetics, part of Exact Sciences
Classification: Likely benign for TMEM38B-related condition. Last evaluated: 2026-06-14. Review status: criteria provided, single submitter. Criteria: ACMG Guidelines, 2015. Collection method: clinical testing. Allele origin: germline.
Comment: This variant is classified as likely benign based on ACMG/AMP sequence variant interpretation guidelines (Richards et al. 2015 PMID: 25741868, with internal and published modifications).

Labcorp Genetics (formerly Invitae), Labcorp
Classification: Likely benign. Last evaluated: 2025-12-30. Review status: criteria provided, single submitter. Criteria: Invitae Variant Classification Sherloc (09022015). Collection method: clinical testing. Allele origin: germline.

NM_018112.3(TMEM38B):c.220T>C (p.Leu74=)

Gene: TMEM38B (transmembrane protein 38B; plus strand). Cytogenetic location: 9q31.2.
Variant type: single nucleotide variant.
Coding change: c.220T>C on transcript NM_018112.3 (MANE Select); coding-DNA position 220, T replaced by C.
Protein change: p.Leu74=; no amino-acid change (leucine 74 retained).
Molecular consequence: synonymous variant.
Genome position (GRCh38, 1-based): chr9:105,705,704, T>C. VCF-style: chr9-105705704-T-C. GRCh37 (hg19) VCF-style: chr9-108467985-T-C.
Other names: c.220T>C (NM_018112.2).
Identifiers: ClinVar variation 1661672 (VCV001661672.9), dbSNP rs138085640, ClinGen allele CA5170818.